The following is an entry in ClinVar:

NM_022464.5(SIL1):c.506_509dup (p.Asp170fs)

Gene: SIL1 (SIL1 nucleotide exchange factor; minus strand). Cytogenetic location: 5q31.2.
Variant type: Microsatellite.
Coding change: c.506_509dup on transcript NM_022464.5 (MANE Select); coding-DNA positions 506 to 509, 4 bases duplicated (AAGA; older notation c.506_509dupAAGA).
Protein change: p.Asp170fs; shifts the reading frame from aspartic acid 170.
Molecular consequence: frameshift variant.
Genome position (GRCh38, 1-based): chr5:139,026,937-139,026,940, TCTT duplicated on the plus strand (AAGA on the coding strand, the reverse complement: SIL1 is on the minus strand); duplicating any 4 consecutive bases within chr5:139,026,937-139,026,944 gives the same sequence; the c. name uses the placement nearest the transcript's 3' end. VCF-style (leftmost placement, unchanged base first): chr5-139026936-G-GTCTT. GRCh37 (hg19) VCF-style: chr5-138362625-G-GTCTT.
Other names: c.506_509dup, p.Asp170fs (NM_001037633.2); short protein forms D170fs.
Identifiers: ClinVar variation 2622 (VCV000002622.6), dbSNP rs751236516, ClinGen allele CA3432554.
Genomic context (GRCh38, chr5:139,026,936, plus strand): 5'-GTTGATCAGCCGTACCATGATCTGCATGTCAGTCTCAATGACAACATTCAGCTCATCAAA[G>GTCTT]TCTTTCTTCAGTTCCTCAATGGGGCGGAAGAGCCGCTTTACCTCAGCCTGCCTTGCCTAA-3'

ClinVar aggregate classification (germline): Pathogenic. Review status: criteria provided, multiple submitters, no conflicts (2 of 4 stars). 3 submissions from 3 submitters: Pathogenic (2). 1 of the submissions does not count toward it. Last evaluated 2024-09-24.

Conditions:
SIL1-related disorder. Also called: SIL1-related condition.
Marinesco-Sjögren syndrome (MSS). Also called: Marinesco-Sjogren Syndrome; Marinesco-SjÃ¶gren syndrome. Identifiers: Orphanet 559, MedGen C0024814, MONDO:0009567, OMIM 248800.

Submissions (3):

Labcorp Genetics (formerly Invitae), Labcorp
Classification: Pathogenic for Marinesco-Sjögren syndrome. Last evaluated: 2024-09-24. Review status: criteria provided, single submitter. Criteria: Invitae Variant Classification Sherloc (09022015). Collection method: clinical testing. Allele origin: germline.
Comment: This sequence change creates a premature translational stop signal (p.Asp170Glufs*4) in the SIL1 gene. It is expected to result in an absent or disrupted protein product. Loss-of-function variants in SIL1 are known to be pathogenic (PMID: 16282977, 24176978). This variant is present in population databases (rs751236516, gnomAD 0.09%). This premature translational stop signal has been observed in individual(s) with Marinesco-Sjogren syndrome (PMID: 16282978). In at least one individual the data is consistent with being in trans (on the opposite chromosome) from a pathogenic variant. It has also been observed to segregate with disease in related individuals. ClinVar contains an entry for this variant (Variation ID: 2622). For these reasons, this variant has been classified as Pathogenic.

Blueprint Genetics
Classification: Pathogenic for SIL1-related disorders. Last evaluated: 2023-05-12. Review status: criteria provided, single submitter. Criteria: ACMG Guidelines, 2015. Collection method: clinical testing. Allele origin: germline. Affected: yes. Observed: 5 variant alleles.

OMIM
Classification: Pathogenic for MARINESCO-SJOGREN SYNDROME. Last evaluated: 2005-12-01. Review status: no assertion criteria provided. Collection method: literature only. Allele origin: germline. Not counted in ClinVar's aggregate classification.

Literature cited by the submitters: PubMed 16282977 (cited by Labcorp Genetics (formerly Invitae), Labcorp); PubMed 24176978 (cited by Labcorp Genetics (formerly Invitae), Labcorp); PubMed 16282978 (cited by Labcorp Genetics (formerly Invitae), Labcorp and OMIM).